The following is an entry in ClinVar:

ClinVar aggregate classification (germline): Uncertain significance. Review status: criteria provided, multiple submitters, no conflicts (2 of 4 stars). 2 submissions from 2 submitters: Uncertain significance (2). Last evaluated 2025-02-12.

Conditions:
Inborn genetic diseases. Identifiers: MedGen C0950123, MeSH D030342.

Allele frequency attached by ClinVar (database versions not stated): gnomAD exomes 0.00001; TOPMed 0.00001.
gnomAD v4.1: 10 of 1,614,190 alleles (0.00062%); highest among the groups gnomAD compares: Admixed American, 0.0017%; no homozygotes.

Submissions (2):

Ambry Genetics
Classification: Uncertain significance for Inborn genetic diseases. Last evaluated: 2025-02-12. Review status: criteria provided, single submitter. Criteria: Ambry Variant Classification Scheme 2023. Collection method: clinical testing. Allele origin: germline.

Women's Health and Genetics/Laboratory Corporation of America, LabCorp
Classification: Uncertain significance. Last evaluated: 2023-12-08. Review status: criteria provided, single submitter. Criteria: LabCorp Variant Classification Summary - May 2015. Collection method: clinical testing. Allele origin: germline.
Comment: Variant summary: VIPAS39 c.253C>T (p.Arg85Cys) results in a non-conservative amino acid change in the encoded protein sequence. Four of five in-silico tools predict a damaging effect of the variant on protein function. The variant allele was found at a frequency of 8e-06 in 251484 control chromosomes. The available data on variant occurrences in the general population are insufficient to allow any conclusion about variant significance. To our knowledge, no occurrence of c.253C>T in individuals affected with Arthrogryposis, Renal Dysfunction, And Cholestasis 2 and no experimental evidence demonstrating its impact on protein function have been reported. No submitters have cited clinical-significance assessments for this variant to ClinVar after 2014. Based on the evidence outlined above, the variant was classified as uncertain significance.

NM_001193315.2(VIPAS39):c.253C>T (p.Arg85Cys)

Gene: VIPAS39 (VPS33B interacting protein, apical-basolateral polarity regulator, spe-39 homolog; minus strand). Cytogenetic location: 14q24.3.
Variant type: single nucleotide variant.
Coding change: c.253C>T on transcript NM_001193315.2 (MANE Select); coding-DNA position 253, C replaced by T.
Protein change: p.Arg85Cys; replaces arginine 85 with cysteine.
Molecular consequence: missense variant. On other transcripts: non-coding transcript variant (1), intron variant (4).
Genome position (GRCh38, 1-based): chr14:77,451,277, G>A on the plus strand (C>T on the coding strand, the complement: VIPAS39 is on the minus strand). VCF-style: chr14-77451277-G-A. GRCh37 (hg19) VCF-style: chr14-77917620-G-A.
Other names: c.253C>T, p.Arg85Cys (NM_001193314.2, NM_001193317.2, NM_001400326.1 and 11 more transcripts); c.197-1525C>T (NM_001400337.1, NM_001193316.2, NM_001400324.1 and 1 more transcripts); c.253C>T (NM_001193314.1); short protein forms R85C.
Identifiers: ClinVar variation 2691563 (VCV002691563.2), dbSNP rs1424472118, ClinGen allele CA390698881.